The following is an entry in ClinVar:

NM_004628.5(XPC):c.1015T>C (p.Leu339=)

Gene: XPC (XPC complex subunit, DNA damage recognition and repair factor; minus strand). Cytogenetic location: 3p25.1.
Variant type: single nucleotide variant.
Coding change: c.1015T>C on transcript NM_004628.5 (MANE Select); coding-DNA position 1015, T replaced by C.
Protein change: p.Leu339=; no amino-acid change (leucine 339 retained).
Molecular consequence: synonymous variant. On other transcripts: non-coding transcript variant (2).
Genome position (GRCh38, 1-based): chr3:14,158,868, A>G on the plus strand (T>C on the coding strand, the complement: XPC is on the minus strand). VCF-style: chr3-14158868-A-G. GRCh37 (hg19) VCF-style: chr3-14200368-A-G.
Other names: c.436T>C, p.Leu146= (NM_001354726.2); c.1015T>C, p.Leu339= (NM_001354727.2, NM_001354730.2); c.997T>C, p.Leu333= (NM_001354729.2).
Identifiers: ClinVar variation 1100705 (VCV001100705.23), dbSNP rs1479935789, ClinGen allele CA432570619.

ClinVar aggregate classification (germline): Likely benign. Review status: criteria provided, multiple submitters, no conflicts (2 of 4 stars). 3 submissions from 3 submitters: Likely benign (3). Last evaluated 2024-12-01.

Conditions:
Xeroderma pigmentosum (XP). Identifiers: Orphanet 910, MedGen C0043346, MONDO:0019600.

Allele frequency attached by ClinVar (database versions not stated): gnomAD exomes below 0.00001 and 0.00001; gnomAD 0.00001; TOPMed 0.00001.

Submissions (3):

CeGaT Center for Human Genetics Tuebingen
Classification: Likely benign. Last evaluated: 2024-12-01. Review status: criteria provided, single submitter. Criteria: CeGaT Center For Human Genetics Tuebingen Variant Classification Criteria Version 2. Collection method: clinical testing. Allele origin: germline. Affected: yes. Observed: 1 variant allele.
Comment: XPC: BP4, BP7

Labcorp Genetics (formerly Invitae), Labcorp
Classification: Likely benign. Last evaluated: 2024-01-29. Review status: criteria provided, single submitter. Criteria: Invitae Variant Classification Sherloc (09022015). Collection method: clinical testing. Allele origin: germline.

Sema4
Classification: Likely benign for Xeroderma pigmentosum. Last evaluated: 2022-01-17. Review status: criteria provided, single submitter. Criteria: Sema4 Curation Guidelines. Collection method: curation. Allele origin: germline.